The following is an entry in ClinVar:

NM_001042492.3(NF1):c.3684C>T (p.Ala1228=)

Gene: NF1 (neurofibromin 1; plus strand). Cytogenetic location: 17q11.2.
Variant type: single nucleotide variant.
Coding change: c.3684C>T on transcript NM_001042492.3 (MANE Select); coding-DNA position 3684, C replaced by T.
Protein change: p.Ala1228=; no amino-acid change (alanine 1228 retained).
Molecular consequence: synonymous variant.
Genome position (GRCh38, 1-based): chr17:31,233,189, C>T. VCF-style: chr17-31233189-C-T. GRCh37 (hg19) VCF-style: chr17-29560207-C-T.
Other names: c.3684C>T, p.Ala1228= (NM_000267.4).
Identifiers: ClinVar variation 759706 (VCV000759706.15), dbSNP rs200276071, ClinGen allele CA8486205.

ClinVar aggregate classification (germline): Benign/Likely benign. Review status: criteria provided, multiple submitters, no conflicts (2 of 4 stars). 4 submissions from 4 submitters: Benign (1); Likely benign (3). Last evaluated 2026-05-19.

Conditions:
Cardiovascular phenotype. Identifiers: MedGen CN230736.
Hereditary cancer-predisposing syndrome. Also called: Tumor predisposition; Hereditary Cancer Syndrome; Hereditary neoplastic syndrome; Neoplastic Syndromes, Hereditary. Identifiers: Orphanet 140162, MedGen C0027672, MeSH D009386, MONDO:0015356.
Neurofibromatosis, type 1 (NF1). Also called: NEUROFIBROMATOSIS, TYPE I, SOMATIC; Peripheral type neurofibromatosis; VON RECKLINGHAUSEN DISEASE; Neurofibromatosis, type I. Identifiers: Orphanet 636, MedGen C0027831, MONDO:0018975, OMIM 162200. Disease mechanism: loss of function.

Allele frequency attached by ClinVar (database versions not stated): gnomAD exomes 0.00001 and 0.00002; ExAC 0.00002.
gnomAD v4.1: 14 of 1,614,084 alleles (0.00087%); highest among the groups gnomAD compares: South Asian, 0.014%; no homozygotes.

Submissions (4):

Myriad Genetics, Inc.
Classification: Benign for Neurofibromatosis, type 1. Last evaluated: 2026-05-19. Review status: criteria provided, single submitter. Criteria: Myriad Autosomal Dominant, Autosomal Recessive and X-Linked Classification Criteria (2023). Collection method: clinical testing. Allele origin: unknown.
Comment: This variant is considered benign. This variant is a silent/synonymous amino acid change and it is not expected to impact splicing.

Labcorp Genetics (formerly Invitae), Labcorp
Classification: Likely benign for Neurofibromatosis, type 1. Last evaluated: 2026-01-15. Review status: criteria provided, single submitter. Criteria: Invitae Variant Classification Sherloc (09022015). Collection method: clinical testing. Allele origin: germline.

Genome-Nilou Lab
Classification: Likely benign for Neurofibromatosis, type 1. Last evaluated: 2022-03-15. Review status: criteria provided, single submitter. Criteria: ACMG Guidelines, 2015. Collection method: clinical testing. Allele origin: germline. Affected: no.

Ambry Genetics
Classification: Likely benign for Cardiovascular phenotype; Hereditary cancer-predisposing syndrome. Last evaluated: 2018-12-02. Review status: criteria provided, single submitter. Criteria: Ambry Variant Classification Scheme 2023. Collection method: clinical testing. Allele origin: germline.